The following is an entry in ClinVar:

ClinVar aggregate classification (germline): Likely benign (1 of 4 stars; one submission).

Allele frequency attached by ClinVar (database versions not stated): 1000 Genomes Project 30x 0.00047; ESP Exome Variant Server 0.00015; gnomAD 0.00034 and 0.00036; 1000 Genomes Project 0.00060.
gnomAD v4.1: 105 of 1,611,936 alleles (0.0065%); highest among the groups gnomAD compares: African/African-American, 0.14%; no homozygotes.

Submissions (2):

Women's Health and Genetics/Laboratory Corporation of America, LabCorp
Classification: Likely benign. Last evaluated: 2025-04-29. Review status: criteria provided, single submitter. Criteria: LabCorp Variant Classification Summary - May 2015. Collection method: clinical testing. Allele origin: germline.
Comment: Variant summary: SMN1 c.835-8C>A alters a nucleotide located at a position not widely known to affect splicing. Consensus agreement among computation tools predict no significant impact on normal splicing. However, these predictions have yet to be confirmed by functional studies. The variant allele was found at a frequency of 5.2e-05 in 248032 control chromosomes, predominantly at a frequency of 0.00081 within the African or African-American subpopulation in the gnomAD database. This frequency is not significantly higher than estimated for a pathogenic variant in SMN1 causing Spinal Muscular Atrophy (5.2e-05 vs 0.0025), allowing no conclusion about variant significance. To our knowledge, no occurrence of c.835-8C>A in individuals affected with Spinal Muscular Atrophy and no experimental evidence demonstrating its impact on protein function have been reported. ClinVar contains an entry for this variant (Variation ID: 495830). Based on the evidence outlined above, the variant was classified as likely benign.

Dr. Peter K. Rogan Lab, Western University
No classification provided (evidence only). Condition: Uterine corpus endometrial carcinoma. Review status: no classification provided. Collection method: in vitro. Allele origin: not applicable. Functional consequence: retained intron. Not counted in ClinVar's aggregate classification.

NM_000344.4(SMN1):c.835-8C>A

Gene: SMN1 (survival of motor neuron 1, telomeric). Cytogenetic location: 5q13.2.
Variant type: single nucleotide variant.
Coding change: c.835-8C>A on transcript NM_000344.4 (MANE Select); 8 bases into the intron before coding-DNA position 835, C replaced by A.
Molecular consequence: intron variant.
Genome position (GRCh38, 1-based): chr5:70,951,933, C>A. VCF-style: chr5-70951933-C-A. GRCh37 (hg19) VCF-style: chr5-70247760-C-A.
Other names: NC_000005.9:g.70247760C>A; c.835-506C>A (NM_001297715.1); c.739-8C>A (NM_022874.2).
Identifiers: ClinVar variation 495830 (VCV000495830.9), dbSNP rs200146682, ClinGen allele CA3295115.
Genomic context (GRCh38, chr5:70,951,933, plus strand): 5'-AGCTATCTATATATAGCTATCTATGTCTATATAGCTATTTTTTTTAACTTCCTTTATTTT[C>A]CTTACAGGGTTTCAGACAAAATCAAAAAGAAGGAAGGTGCTCACATTCCTTAAATTAAGG-3'